The following is an entry in ClinVar:

NM_000116.5(TAFAZZIN):c.674C>T (p.Pro225Leu)

Gene: TAFAZZIN (tafazzin, phospholipid-lysophospholipid transacylase; plus strand). Cytogenetic location: Xq28.
Variant type: single nucleotide variant.
Coding change: c.674C>T on transcript NM_000116.5 (MANE Select); coding-DNA position 674, C replaced by T.
Protein change: p.Pro225Leu; replaces proline 225 with leucine.
Molecular consequence: missense variant. On other transcripts: non-coding transcript variant (1).
Genome position (GRCh38, 1-based): chrX:154,420,239, C>T. VCF-style: chrX-154420239-C-T. GRCh37 (hg19) VCF-style: chrX-153648578-C-T.
Other names: p.P225L:CCG>CTG; c.686C>T, p.Pro229Leu (NM_001303465.2); c.584C>T, p.Pro195Leu (NM_181311.4); c.632C>T, p.Pro211Leu (NM_181312.4); c.542C>T, p.Pro181Leu (NM_181313.4); short protein forms P225L, P195L, P229L, P181L, P211L.
Identifiers: ClinVar variation 202094 (VCV000202094.12), dbSNP rs375151766, ClinGen allele CA308803.

ClinVar aggregate classification (germline): Uncertain significance. Review status: criteria provided, multiple submitters, no conflicts (2 of 4 stars). 3 submissions from 3 submitters: Uncertain significance (3). Last evaluated 2025-11-19.

Conditions:
Cardiovascular phenotype. Identifiers: MedGen CN230736.
3-Methylglutaconic aciduria type 2 (BTHS). Also called: CARDIOSKELETAL MYOPATHY WITH NEUTROPENIA AND ABNORMAL MITOCHONDRIA; Barth syndrome. Identifiers: Orphanet 111, MedGen C0574083, MONDO:0010543, OMIM 302060.

Allele frequency attached by ClinVar (database versions not stated): gnomAD 0.00003 and 0.00005; gnomAD exomes 0.00003 and 0.00004; TOPMed 0.00003; ExAC 0.00006; ESP Exome Variant Server 0.00009; 1000 Genomes Project 30x 0.00021; 1000 Genomes Project 0.00026.
gnomAD v4.1: 56 of 1,209,729 alleles (0.0046%); highest among the groups gnomAD compares: South Asian, 0.023%; no homozygotes.

Submissions (3):

GeneDx
Classification: Uncertain significance. Last evaluated: 2025-11-19. Review status: criteria provided, single submitter. Criteria: GeneDx Variant Classification Process June 2021. Collection method: clinical testing. Allele origin: germline. Affected: yes.
Comment: Has not been previously published as pathogenic or benign to our knowledge; In silico analysis supports that this missense variant has a deleterious effect on protein structure/function

Ambry Genetics
Classification: Uncertain significance for Cardiovascular phenotype. Last evaluated: 2025-05-30. Review status: criteria provided, single submitter. Criteria: Ambry Variant Classification Scheme 2023. Collection method: clinical testing. Allele origin: germline.
Comment: The p.P225L variant (also known as c.674C>T), located in coding exon 9 of the TAZ gene, results from a C to T substitution at nucleotide position 674. The proline at codon 225 is replaced by leucine, an amino acid with similar properties. Based on data from gnomAD, the T allele has an overall frequency of <0.01% (6/183454) total alleles studied, with 2 hemizygote(s) observed. The highest observed frequency was 0.01% (2/19080) of South Asian alleles. This amino acid position is not well conserved in available vertebrate species. In addition, the in silico prediction for this alteration is inconclusive. Since supporting evidence is limited at this time, the clinical significance of this alteration remains unclear.

Labcorp Genetics (formerly Invitae), Labcorp
Classification: Uncertain significance for 3-Methylglutaconic aciduria type 2. Last evaluated: 2024-10-27. Review status: criteria provided, single submitter. Criteria: Invitae Variant Classification Sherloc (09022015). Collection method: clinical testing. Allele origin: germline.
Comment: This sequence change replaces proline, which is neutral and non-polar, with leucine, which is neutral and non-polar, at codon 225 of the TAZ protein (p.Pro225Leu). This variant is present in population databases (rs375151766, gnomAD 0.01%). This variant has not been reported in the literature in individuals affected with TAZ-related conditions. ClinVar contains an entry for this variant (Variation ID: 202094). An algorithm developed to predict the effect of missense changes on protein structure and function (PolyPhen-2) suggests that this variant¬†is likely to be tolerated. In summary, the available evidence is currently insufficient to determine the role of this variant in disease. Therefore, it has been classified as a Variant of Uncertain Significance.